The following is an entry in ClinVar:

ClinVar aggregate classification (germline): Uncertain significance. Review status: criteria provided, multiple submitters, no conflicts (2 of 4 stars). 2 submissions from 2 submitters: Uncertain significance (2). Last evaluated 2023-10-06.

Conditions:
Inborn genetic diseases. Identifiers: MedGen C0950123, MeSH D030342.
Intellectual disability, autosomal recessive 42 (NEDDSBA). Also called: Neurodevelopmental disorder with dysmorphic features, spasticity, and brain abnormalities; GLYCOSYLPHOSPHATIDYLINOSITOL BIOSYNTHESIS DEFECT 9. Identifiers: Orphanet 88616, MedGen C4014343, MONDO:0014348, OMIM 615802.

Allele frequency attached by ClinVar (database versions not stated): ExAC 0.00001; gnomAD 0.00003; gnomAD exomes 0.00008.
gnomAD v4.1: 124 of 1,612,208 alleles (0.0077%); highest among the groups gnomAD compares: Non-Finnish European, 0.01%; no homozygotes.

Submissions (2):

Ambry Genetics
Classification: Uncertain significance for Inborn genetic diseases. Last evaluated: 2023-10-06. Review status: criteria provided, single submitter. Criteria: Ambry Variant Classification Scheme 2023. Collection method: clinical testing. Allele origin: germline.

Labcorp Genetics (formerly Invitae), Labcorp
Classification: Uncertain significance for Intellectual disability, autosomal recessive 42. Last evaluated: 2022-04-15. Review status: criteria provided, single submitter. Criteria: Invitae Variant Classification Sherloc (09022015). Collection method: clinical testing. Allele origin: germline.
Comment: In summary, the available evidence is currently insufficient to determine the role of this variant in disease. Therefore, it has been classified as a Variant of Uncertain Significance. Algorithms developed to predict the effect of missense changes on protein structure and function (SIFT, PolyPhen-2, Align-GVGD) all suggest that this variant is likely to be tolerated. This variant has not been reported in the literature in individuals affected with PGAP1-related conditions. This variant is present in population databases (rs759027447, gnomAD 0.003%). This sequence change replaces alanine, which is neutral and non-polar, with valine, which is neutral and non-polar, at codon 714 of the PGAP1 protein (p.Ala714Val).

NM_024989.4(PGAP1):c.2141C>T (p.Ala714Val)

Gene: PGAP1 (post-GPI attachment to proteins inositol deacylase 1; minus strand). Cytogenetic location: 2q33.1.
Variant type: single nucleotide variant.
Coding change: c.2141C>T on transcript NM_024989.4 (MANE Select); coding-DNA position 2141, C replaced by T.
Protein change: p.Ala714Val; replaces alanine 714 with valine.
Molecular consequence: missense variant.
Genome position (GRCh38, 1-based): chr2:196,847,012, G>A on the plus strand (C>T on the coding strand, the complement: PGAP1 is on the minus strand). VCF-style: chr2-196847012-G-A. GRCh37 (hg19) VCF-style: chr2-197711736-G-A.
Other names: c.1619C>T, p.Ala540Val (NM_001321099.2); c.974C>T, p.Ala325Val (NM_001321100.2); c.2141C>T (NM_024989.3); short protein forms A714V, A325V, A540V.
Identifiers: ClinVar variation 1910085 (VCV001910085.6), dbSNP rs759027447, ClinGen allele CA2040711.
Genomic context (GRCh38, chr2:196,847,012, plus strand): 5'-ATATATTTCTTCTTAAAGCAATAAGAAAGCTGTTAATCATTCATTCTTTACCTTTTCAAA[G>A]CTAGCCACAATGAAGAAAGAAGTCTCACAGATGCAGAAGACAGTAGGCCACTCCAGTAGG-3'
Protein context (NP_079265.2, residues 704-724): SVRLLSSLWL[Ala714Val]LKRPSELPKD